The following is an entry in ClinVar:

ClinVar aggregate classification (germline): Pathogenic/Likely pathogenic. Review status: criteria provided, multiple submitters, no conflicts (2 of 4 stars). 2 submissions from 2 submitters: Pathogenic (1); Likely pathogenic (1). Last evaluated 2024-10-08.

Conditions:
Multiple epiphyseal dysplasia type 1. Also called: COMP-Related Multiple Epiphyseal Dysplasia. Identifiers: Orphanet 93308, MedGen C1838280, MONDO:0007561, OMIM 132400.

Submissions (2):

Labcorp Genetics (formerly Invitae), Labcorp
Classification: Pathogenic. Last evaluated: 2024-10-08. Review status: criteria provided, single submitter. Criteria: Invitae Variant Classification Sherloc (09022015). Collection method: clinical testing. Allele origin: germline.
Comment: This sequence change replaces glycine, which is neutral and non-polar, with glutamic acid, which is acidic and polar, at codon 427 of the COMP protein (p.Gly427Glu). This variant is not present in population databases (gnomAD no frequency). This missense change has been observed in individuals with COMP-related conditions (PMID: 9756911, 9880218, 21922596; internal data). This variant is also known as G1305A. ClinVar contains an entry for this variant (Variation ID: 1457556). Invitae Evidence Modeling of protein sequence and biophysical properties (such as structural, functional, and spatial information, amino acid conservation, physicochemical variation, residue mobility, and thermodynamic stability) indicates that this missense variant is expected to disrupt COMP protein function with a positive predictive value of 80%. This variant disrupts the p.Gly427 amino acid residue in COMP. Other variant(s) that disrupt this residue have been observed in individuals with COMP-related conditions (PMID: 24595329), which suggests that this may be a clinically significant amino acid residue. For these reasons, this variant has been classified as Pathogenic.

Clinical Genetics Service, Universitary Hospital 12 de Octubre
Classification: Likely pathogenic for Multiple epiphyseal dysplasia type 1. Review status: criteria provided, single submitter. Criteria: ACMG Guidelines, 2015. Collection method: clinical testing. Allele origin: germline. Affected: yes.

Literature cited by the submitters: PubMed 9756911 (cited by Labcorp Genetics (formerly Invitae), Labcorp); PubMed 9880218 (cited by Labcorp Genetics (formerly Invitae), Labcorp); PubMed 21922596 (cited by Labcorp Genetics (formerly Invitae), Labcorp); PubMed 24595329 (cited by Labcorp Genetics (formerly Invitae), Labcorp).

NM_000095.3(COMP):c.1280G>A (p.Gly427Glu)

Gene: COMP (cartilage oligomeric matrix protein; minus strand). Cytogenetic location: 19p13.11.
Variant type: single nucleotide variant.
Coding change: c.1280G>A on transcript NM_000095.3 (MANE Select); coding-DNA position 1280, G replaced by A.
Protein change: p.Gly427Glu; replaces glycine 427 with glutamic acid.
Molecular consequence: missense variant.
Genome position (GRCh38, 1-based): chr19:18,786,266, C>T on the plus strand (G>A on the coding strand, the complement: COMP is on the minus strand). VCF-style: chr19-18786266-C-T. GRCh37 (hg19) VCF-style: chr19-18897076-C-T.
Other names: c.1280G>A (NM_000095.2); short protein forms G427E.
Identifiers: ClinVar variation 1457556 (VCV001457556.9), dbSNP rs2145901034, ClinGen allele CA404885860.